The following is an entry in ClinVar:

ClinVar aggregate classification (germline): Pathogenic (1 of 4 stars; one submission).

Submission:

Labcorp Genetics (formerly Invitae), Labcorp
Classification: Pathogenic. Last evaluated: 2023-11-01. Review status: criteria provided, single submitter. Criteria: Invitae Variant Classification Sherloc (09022015). Collection method: clinical testing. Allele origin: germline.
Comment: This sequence change creates a premature translational stop signal (p.Glu122Glnfs*5) in the TMC1 gene. It is expected to result in an absent or disrupted protein product. Loss-of-function variants in TMC1 are known to be pathogenic (PMID: 11850618, 22105175). This variant is present in population databases (rs776267308, gnomAD 0.0009%). This variant has not been reported in the literature in individuals affected with TMC1-related conditions. Algorithms developed to predict the effect of sequence changes on RNA splicing suggest that this variant may disrupt the consensus splice site. For these reasons, this variant has been classified as Pathogenic.

Literature cited by the submitters: PubMed 11850618; PubMed 22105175.

NC_000009.12:g.72740120_72740123del

Gene: TMC1 (transmembrane channel like 1; plus strand). Cytogenetic location: 9q21.13.
Variant type: Deletion.
Genome position: GRCh38 VCF-style: chr9-72740116-CAGGG-C. GRCh37 (hg19) VCF-style: chr9-75355032-CAGGG-C.
Identifiers: ClinVar variation 3007953 (VCV003007953.3), dbSNP rs776267308, ClinGen allele CA5081651.
Genomic context (GRCh38, chr9:72,740,116, plus strand): 5'-TTCTGTATTCTAGTCATTGCAACTCACCTCCTTTTATCCCTTATGTTATTTTTATTTTCT[CAGGG>C]AGGCAAAAAAATTTGTGAGTGAAAATGAAGGGGCTCTTGGGAAAGGAAAAGGAAAACGGT-3'